The following is an entry in ClinVar:

NM_000535.7(PMS2):c.1658C>T (p.Ser553Leu)

Gene: PMS2 (PMS1 homolog 2, mismatch repair system component; minus strand). Cytogenetic location: 7p22.1.
Variant type: single nucleotide variant.
Coding change: c.1658C>T on transcript NM_000535.7 (MANE Select); coding-DNA position 1658, C replaced by T.
Protein change: p.Ser553Leu; replaces serine 553 with leucine.
Molecular consequence: missense variant. On other transcripts: non-coding transcript variant (1).
Genome position (GRCh38, 1-based): chr7:5,987,107, G>A on the plus strand (C>T on the coding strand, the complement: PMS2 is on the minus strand). VCF-style: chr7-5987107-G-A. GRCh37 (hg19) VCF-style: chr7-6026738-G-A.
Other names: c.1253C>T, p.Ser418Leu (NM_001018040.1, NM_001322003.2, NM_001322004.2 and 17 more transcripts); c.1502C>T, p.Ser501Leu (NM_001322006.2, NM_001406870.1); c.1340C>T, p.Ser447Leu (NM_001322007.2, NM_001322008.2, NM_001406876.1 and 2 more transcripts); c.1097C>T, p.Ser366Leu (NM_001322010.2, NM_001406906.1, NM_001406907.1); c.725C>T, p.Ser242Leu (NM_001322011.2, NM_001322012.2); c.1085C>T, p.Ser362Leu (NM_001322013.2, NM_001406909.1); c.1658C>T, p.Ser553Leu (NM_001322014.2, NM_001406871.1, NM_001406872.1); c.1349C>T, p.Ser450Leu (NM_001322015.2, NM_001406875.1, NM_001406877.1 and 5 more transcripts); and 12 more; short protein forms S362L, S395L, S418L, S445L, S450L, S487L, S553L, S296L.
Identifiers: ClinVar variation 1777396 (VCV001777396.5), dbSNP rs2128725871, ClinGen allele CA366741337.

ClinVar aggregate classification (germline): Conflicting classifications of pathogenicity. Review status: criteria provided, conflicting classifications (1 of 4 stars). 2 submissions from 2 submitters: Uncertain significance (1); Likely benign (1). Last evaluated 2025-08-24.

Conditions:
Hereditary nonpolyposis colorectal neoplasms. Identifiers: MedGen C0009405, MeSH D003123.
Hereditary cancer-predisposing syndrome. Also called: Neoplastic Syndromes, Hereditary; Tumor predisposition; Hereditary Cancer Syndrome; Hereditary neoplastic syndrome. Identifiers: Orphanet 140162, MedGen C0027672, MeSH D009386, MONDO:0015356.

Submissions (2):

Labcorp Genetics (formerly Invitae), Labcorp
Classification: Uncertain significance for Hereditary nonpolyposis colorectal neoplasms. Last evaluated: 2025-08-24. Review status: criteria provided, single submitter. Criteria: Invitae Variant Classification Sherloc (09022015). Collection method: clinical testing. Allele origin: germline.
Comment: This sequence change replaces serine, which is neutral and polar, with leucine, which is neutral and non-polar, at codon 553 of the PMS2 protein (p.Ser553Leu). This variant is not present in population databases (gnomAD no frequency). This variant has not been reported in the literature in individuals affected with PMS2-related conditions. ClinVar contains an entry for this variant (Variation ID: 1777396). Invitae Evidence Modeling incorporating data from in vitro experimental studies (internal data) indicates that this missense variant is not expected to disrupt PMS2 function with a negative predictive value of 95%. In summary, the available evidence is currently insufficient to determine the role of this variant in disease. Therefore, it has been classified as a Variant of Uncertain Significance.

Ambry Genetics
Classification: Likely benign for Hereditary cancer-predisposing syndrome. Last evaluated: 2021-10-27. Review status: criteria provided, single submitter. Criteria: Ambry Variant Classification Scheme 2023. Collection method: clinical testing. Allele origin: germline.